The following is an entry in ClinVar:

ClinVar aggregate classification (germline): Uncertain significance. Review status: criteria provided, multiple submitters, no conflicts (2 of 4 stars). 2 submissions from 2 submitters: Uncertain significance (2). Last evaluated 2025-12-11.

Conditions:
Inborn genetic diseases. Identifiers: MedGen C0950123, MeSH D030342.

Allele frequency attached by ClinVar (database versions not stated): ExAC 0.00009; gnomAD 0.00002; gnomAD exomes 0.00005.
gnomAD v4.1: 68 of 1,613,276 alleles (0.0042%); highest among the groups gnomAD compares: South Asian, 0.058%; 2 homozygotes.

Submissions (2):

Ambry Genetics
Classification: Uncertain significance for Inborn genetic diseases. Last evaluated: 2025-12-11. Review status: criteria provided, single submitter. Criteria: Ambry Variant Classification Scheme 2023. Collection method: clinical testing. Allele origin: germline.

Labcorp Genetics (formerly Invitae), Labcorp
Classification: Uncertain significance. Last evaluated: 2022-08-21. Review status: criteria provided, single submitter. Criteria: Invitae Variant Classification Sherloc (09022015). Collection method: clinical testing. Allele origin: germline.
Comment: This sequence change replaces proline, which is neutral and non-polar, with leucine, which is neutral and non-polar, at codon 512 of the LTBP2 protein (p.Pro512Leu). This variant is present in population databases (rs762006320, gnomAD 0.06%). This variant has not been reported in the literature in individuals affected with LTBP2-related conditions. Algorithms developed to predict the effect of missense changes on protein structure and function output the following: SIFT: "Deleterious"; PolyPhen-2: "Benign"; Align-GVGD: "Class C15". The leucine amino acid residue is found in multiple mammalian species, which suggests that this missense change does not adversely affect protein function. In summary, the available evidence is currently insufficient to determine the role of this variant in disease. Therefore, it has been classified as a Variant of Uncertain Significance.

NM_000428.3(LTBP2):c.1535C>T (p.Pro512Leu)

Gene: LTBP2 (latent transforming growth factor beta binding protein 2; minus strand). Cytogenetic location: 14q24.3.
Variant type: single nucleotide variant.
Coding change: c.1535C>T on transcript NM_000428.3 (MANE Select); coding-DNA position 1535, C replaced by T.
Protein change: p.Pro512Leu; replaces proline 512 with leucine.
Molecular consequence: missense variant.
Genome position (GRCh38, 1-based): chr14:74,551,215, G>A on the plus strand (C>T on the coding strand, the complement: LTBP2 is on the minus strand). VCF-style: chr14-74551215-G-A. GRCh37 (hg19) VCF-style: chr14-75017918-G-A.
Other names: short protein forms P512L.
Identifiers: ClinVar variation 1916487 (VCV001916487.4), dbSNP rs762006320, ClinGen allele CA7269858.